The following is an entry in ClinVar:

NM_031407.7(HUWE1):c.11498G>C (p.Gly3833Ala)

Gene: HUWE1 (HECT, UBA and WWE domain containing E3 ubiquitin protein ligase 1; minus strand). Cytogenetic location: Xp11.22.
Variant type: single nucleotide variant.
Coding change: c.11498G>C on transcript NM_031407.7 (MANE Select); coding-DNA position 11498, G replaced by C.
Protein change: p.Gly3833Ala; replaces glycine 3833 with alanine.
Molecular consequence: missense variant.
Genome position (GRCh38, 1-based): chrX:53,539,791, C>G on the plus strand (G>C on the coding strand, the complement: HUWE1 is on the minus strand). VCF-style: chrX-53539791-C-G. GRCh37 (hg19) VCF-style: chrX-53566752-C-G.
Other names: c.11450G>C, p.Gly3817Ala (NM_001441048.1, NM_001441053.1, NM_001441058.1); c.11453G>C, p.Gly3818Ala (NM_001441049.1, NM_001441054.1); c.11474G>C, p.Gly3825Ala (NM_001441050.1, NM_001441055.1); c.11495G>C, p.Gly3832Ala (NM_001441051.1, NM_001441056.1); c.11096G>C, p.Gly3699Ala (NM_001441052.1); c.11498G>C, p.Gly3833Ala (NM_001441057.1); short protein forms G3699A, G3817A, G3818A, G3825A, G3832A, G3833A.
Identifiers: ClinVar variation 4801037 (VCV004801037.1).

ClinVar aggregate classification (germline): Uncertain significance (1 of 4 stars; one submission).

Submission:

Labcorp Genetics (formerly Invitae), Labcorp
Classification: Uncertain significance. Last evaluated: 2025-05-10. Review status: criteria provided, single submitter. Criteria: Invitae Variant Classification Sherloc (09022015). Collection method: clinical testing. Allele origin: germline.
Comment: This sequence change replaces glycine, which is neutral and non-polar, with alanine, which is neutral and non-polar, at codon 3833 of the HUWE1 protein (p.Gly3833Ala). This variant is not present in population databases (gnomAD no frequency). This variant has not been reported in the literature in individuals affected with HUWE1-related conditions. Invitae Evidence Modeling of protein sequence and biophysical properties (such as structural, functional, and spatial information, amino acid conservation, physicochemical variation, residue mobility, and thermodynamic stability) indicates that this missense variant is not expected to disrupt HUWE1 protein function with a negative predictive value of 95%. In summary, the available evidence is currently insufficient to determine the role of this variant in disease. Therefore, it has been classified as a Variant of Uncertain Significance.